The following is an entry in ClinVar:

NM_002471.4(MYH6):c.2587G>C (p.Glu863Gln)

Gene: MYH6 (myosin heavy chain 6; minus strand). Cytogenetic location: 14q11.2.
Variant type: single nucleotide variant.
Coding change: c.2587G>C on transcript NM_002471.4 (MANE Select); coding-DNA position 2587, G replaced by C.
Protein change: p.Glu863Gln; replaces glutamic acid 863 with glutamine.
Molecular consequence: missense variant.
Genome position (GRCh38, 1-based): chr14:23,394,166, C>G on the plus strand (G>C on the coding strand, the complement: MYH6 is on the minus strand). VCF-style: chr14-23394166-C-G. GRCh37 (hg19) VCF-style: chr14-23863375-C-G.
Other names: short protein forms E863Q.
Identifiers: ClinVar variation 2452935 (VCV002452935.2), dbSNP rs2502171956, ClinGen allele CA389014180.
Genomic context (GRCh38, chr14:23,394,166, plus strand): 5'-GCAGGGACACCATCTTCTCCTCCAGCTCCTTGCGGCGAGCCTCGGACTTCTCCAGCGTCT[C>G]TTTGATGCGCCCGAACTCTTCCTTCATGGTGGCCATCTCCTTCTCCGTCTCTGCGCTCTT-3'
Protein context (NP_002462.2, residues 853-873): TMKEEFGRIK[Glu863Gln]TLEKSEARRK

ClinVar aggregate classification (germline): Uncertain significance (1 of 4 stars; one submission).

Conditions:
Cardiovascular phenotype. Identifiers: MedGen CN230736.

Submission:

Ambry Genetics
Classification: Uncertain significance for Cardiovascular phenotype. Last evaluated: 2023-03-07. Review status: criteria provided, single submitter. Criteria: Ambry Variant Classification Scheme 2023. Collection method: clinical testing. Allele origin: germline.
Comment: The p.E863Q variant (also known as c.2587G>C), located in coding exon 19 of the MYH6 gene, results from a G to C substitution at nucleotide position 2587. The glutamic acid at codon 863 is replaced by glutamine, an amino acid with highly similar properties. This amino acid position is conserved. In addition, the in silico prediction for this alteration is inconclusive. Since supporting evidence is limited at this time, the clinical significance of this alteration remains unclear.